The following is an entry in ClinVar:

ClinVar aggregate classification (germline): Benign. Review status: criteria provided, multiple submitters, no conflicts (2 of 4 stars). 2 submissions from 2 submitters: Benign (2). Last evaluated 2018-01-12.

Conditions:
Von Hippel-Lindau syndrome (VHLS). Also called: Von Hippel-Lindau; von Hippel–Lindau syndrome; VHL syndrome. Identifiers: Orphanet 892, MedGen C0019562, MONDO:0008667, OMIM 193300. Disease mechanism: loss of function.

Allele frequency attached by ClinVar (database versions not stated): TOPMed 0.00157; 1000 Genomes Project 0.00180; 1000 Genomes Project 30x 0.00187; gnomAD 0.00524 and 0.00551.

Submissions (2):

Illumina Laboratory Services, Illumina
Classification: Benign for Von Hippel-Lindau syndrome. Last evaluated: 2018-01-12. Review status: criteria provided, single submitter. Criteria: ICSL Variant Classification Criteria 13 December 2019. Collection method: clinical testing. Allele origin: germline.
Comment: This variant was observed in the ICSL laboratory as part of a predisposition screen in an ostensibly healthy population. It had not been previously curated by ICSL or reported in the Human Gene Mutation Database (HGMD: prior to June 1st, 2018), and was therefore a candidate for classification through an automated scoring system. Utilizing variant allele frequency, disease prevalence and penetrance estimates, and inheritance mode, an automated score was calculated to assess if this variant is too frequent to cause the disease. Based on the score and internal cut-off values, a variant classified as benign is not then subjected to further curation. The score for this variant resulted in a classification of benign for this disease.

Breakthrough Genomics
Classification: Benign. Review status: criteria provided, single submitter. Criteria: ACMG Guidelines, 2015. Collection method: not provided. Allele origin: germline. Inheritance: Autosomal recessive inheritance. Affected: yes.

NM_000551.4(VHL):c.*1419A>G

Genes: VHL (von Hippel-Lindau tumor suppressor; plus strand), LOC107303340 (3p25 von Hippel-Lindau tumor suppressor, E3 ubiquitin protein ligase Alu-mediated recombination region; plus strand). Cytogenetic location: 3p25.3.
Variant type: single nucleotide variant.
Coding change: c.*1419A>G on transcript NM_000551.4 (MANE Select); 1419 bases downstream of the stop codon, A replaced by G.
Molecular consequence: 3 prime UTR variant.
Genome position (GRCh38, 1-based): chr3:10,151,384, A>G. VCF-style: chr3-10151384-A-G. GRCh37 (hg19) VCF-style: chr3-10193068-A-G.
Other names: c.*1615A>G (NM_001354723.2); c.*1419A>G (NM_198156.3).
Identifiers: ClinVar variation 342435 (VCV000342435.6), dbSNP rs141916278, ClinGen allele CA10616677.